The following is an entry in ClinVar:

NM_004006.3(DMD):c.6634A>G (p.Ile2212Val)

Gene: DMD (dystrophin; minus strand). Cytogenetic location: Xp21.1.
Variant type: single nucleotide variant.
Coding change: c.6634A>G on transcript NM_004006.3 (MANE Select); coding-DNA position 6634, A replaced by G.
Protein change: p.Ile2212Val; replaces isoleucine 2212 with valine.
Molecular consequence: missense variant. On other transcripts: 5 prime UTR variant (5).
Genome position (GRCh38, 1-based): chrX:31,932,208, T>C on the plus strand (A>G on the coding strand, the complement: DMD is on the minus strand). VCF-style: chrX-31932208-T-C. GRCh37 (hg19) VCF-style: chrX-31950325-T-C.
Other names: c.6610A>G, p.Ile2204Val (NM_000109.4); c.6622A>G, p.Ile2208Val (NM_004009.3); c.6265A>G, p.Ile2089Val (NM_004010.3); c.2611A>G, p.Ile871Val (NM_004011.4); c.2602A>G, p.Ile868Val (NM_004012.4); c.-747A>G (NM_004013.3, NM_004020.4, NM_004021.3 and 2 more transcripts); short protein forms I2089V, I2204V, I871V, I2208V, I2212V, I868V.
Identifiers: ClinVar variation 2171674 (VCV002171674.3), dbSNP rs766648368, ClinGen allele CA10378418.
Genomic context (GRCh38, chrX:31,932,208, plus strand): 5'-TATCTGCTTCCTCCAACCATAAAACAAATTCATTTAAATCTCTTTGAAATTCTGACAAGA[T>C]ATTCTTTTGTTCTTCTAGCCTGGAGAAAGAAGAATAAAATTGTTATTTTTTTTTCCAACA-3'
Protein context (NP_003997.2, residues 2202-2222): RKKRLEEQKN[Ile2212Val]LSEFQRDLNE

ClinVar aggregate classification (germline): Conflicting classifications of pathogenicity. Review status: criteria provided, conflicting classifications (1 of 4 stars). 2 submissions from 2 submitters: Uncertain significance (1); Likely benign (1). Last evaluated 2025-10-02.

Conditions:
Cardiovascular phenotype. Identifiers: MedGen CN230736.
Duchenne muscular dystrophy (DMD). Also called: MUSCULAR DYSTROPHY, PSEUDOHYPERTROPHIC PROGRESSIVE, DUCHENNE TYPE; Duchenne Muscular Dystrophy (DMD). Identifiers: Orphanet 98896, MedGen C0013264, MONDO:0010679, OMIM 310200.

Allele frequency attached by ClinVar (database versions not stated): ExAC 0.00001; gnomAD exomes 0.00002.
gnomAD v4.1: 18 of 1,188,474 alleles (0.0015%); highest among the groups gnomAD compares: Non-Finnish European, 0.0021%; no homozygotes.

Submissions (2):

Ambry Genetics
Classification: Likely benign for Cardiovascular phenotype. Last evaluated: 2025-10-02. Review status: criteria provided, single submitter. Criteria: Ambry Variant Classification Scheme 2023. Collection method: clinical testing. Allele origin: germline.

Labcorp Genetics (formerly Invitae), Labcorp
Classification: Uncertain significance for Duchenne muscular dystrophy. Last evaluated: 2025-08-18. Review status: criteria provided, single submitter. Criteria: Invitae Variant Classification Sherloc (09022015). Collection method: clinical testing. Allele origin: germline.
Comment: This sequence change replaces isoleucine, which is neutral and non-polar, with valine, which is neutral and non-polar, at codon 2212 of the DMD protein (p.Ile2212Val). This variant is present in population databases (rs766648368, gnomAD 0.003%). This variant has not been reported in the literature in individuals affected with DMD-related conditions. ClinVar contains an entry for this variant (Variation ID: 2171674). Invitae Evidence Modeling of protein sequence and biophysical properties (such as structural, functional, and spatial information, amino acid conservation, physicochemical variation, residue mobility, and thermodynamic stability) indicates that this missense variant is not expected to disrupt DMD protein function with a negative predictive value of 95%. In summary, the available evidence is currently insufficient to determine the role of this variant in disease. Therefore, it has been classified as a Variant of Uncertain Significance.